The following is an entry in ClinVar:

NM_002979.5(SCP2):c.972A>T (p.Glu324Asp)

Gene: SCP2 (sterol carrier protein 2; plus strand). Cytogenetic location: 1p32.3.
Variant type: single nucleotide variant.
Coding change: c.972A>T on transcript NM_002979.5 (MANE Select); coding-DNA position 972, A replaced by T.
Protein change: p.Glu324Asp; replaces glutamic acid 324 with aspartic acid.
Molecular consequence: missense variant.
Genome position (GRCh38, 1-based): chr1:52,980,542, A>T. VCF-style: chr1-52980542-A-T. GRCh37 (hg19) VCF-style: chr1-53446214-A-T.
Other names: c.972A>T (NM_002979.4); c.840A>T, p.Glu280Asp (NM_001007098.3, NM_001193600.2); c.900A>T, p.Glu300Asp (NM_001193599.2); c.729A>T, p.Glu243Asp (NM_001193617.2); c.972A>T, p.Glu324Asp (NM_001330587.2); short protein forms E300D, E324D, E243D, E280D.
Identifiers: ClinVar variation 1467319 (VCV001467319.6), dbSNP rs1218907581, ClinGen allele CA340382609.

ClinVar aggregate classification (germline): Uncertain significance. Review status: criteria provided, multiple submitters, no conflicts (2 of 4 stars). 2 submissions from 2 submitters: Uncertain significance (2). Last evaluated 2025-08-25.

Allele frequency attached by ClinVar (database versions not stated): gnomAD 0.00001; TOPMed 0.00001.
gnomAD v4.1: 1 of 1,613,424 alleles (0.000062%); highest among the groups gnomAD compares: Non-Finnish European, 0.000085%; no homozygotes.

Submissions (2):

Ambry Genetics
Classification: Uncertain significance. Last evaluated: 2025-08-25. Review status: criteria provided, single submitter. Criteria: Ambry Variant Classification Scheme 2023. Collection method: clinical testing. Allele origin: germline.

Labcorp Genetics (formerly Invitae), Labcorp
Classification: Uncertain significance. Last evaluated: 2022-06-28. Review status: criteria provided, single submitter. Criteria: Invitae Variant Classification Sherloc (09022015). Collection method: clinical testing. Allele origin: germline.
Comment: This sequence change replaces glutamic acid, which is acidic and polar, with aspartic acid, which is acidic and polar, at codon 324 of the SCP2 protein (p.Glu324Asp). This variant is not present in population databases (gnomAD no frequency). This variant has not been reported in the literature in individuals affected with SCP2-related conditions. Algorithms developed to predict the effect of missense changes on protein structure and function are either unavailable or do not agree on the potential impact of this missense change (SIFT: "Tolerated"; PolyPhen-2: "Probably Damaging"; Align-GVGD: "Class C0"). Algorithms developed to predict the effect of sequence changes on RNA splicing suggest that this variant may disrupt the consensus splice site. In summary, the available evidence is currently insufficient to determine the role of this variant in disease. Therefore, it has been classified as a Variant of Uncertain Significance.